The following is an entry in ClinVar:

ClinVar aggregate classification (germline): Likely benign. Review status: criteria provided, multiple submitters, no conflicts (2 of 4 stars). 3 submissions from 3 submitters: Likely benign (3). Last evaluated 2025-07-22.

Conditions:
Neuropathy, hereditary sensory, type 2C. Also called: Hereditary sensory and autonomic neuropathy type IIC; KIF1A-Related HSAN2 (HSAN2C). Identifiers: Orphanet 970, MedGen C3280168, MONDO:0013634, OMIM 614213.
Intellectual disability, autosomal dominant 9 (NESCAVS). Also called: NESCAV SYNDROME; KIF1A-Related Neurodevelopmental Disorder. Identifiers: Orphanet 662367, MedGen C5393830, MONDO:0013656, OMIM 614255.
Hereditary spastic paraplegia 30. Identifiers: Orphanet 101010, MedGen C5235139, MONDO:0012476.

Allele frequency attached by ClinVar (database versions not stated): gnomAD below 0.00001 and 0.00003; TOPMed 0.00002; ExAC 0.00012; 1000 Genomes Project 0.00020; 1000 Genomes Project 30x 0.00031.
gnomAD v4.1: 75 of 1,613,728 alleles (0.0046%); highest among the groups gnomAD compares: South Asian, 0.069%; 1 homozygote.

Submissions (3):

Labcorp Genetics (formerly Invitae), Labcorp
Classification: Likely benign for Hereditary spastic paraplegia 30; Neuropathy, hereditary sensory, type 2C; Intellectual disability, autosomal dominant 9. Last evaluated: 2025-07-22. Review status: criteria provided, single submitter. Criteria: Invitae Variant Classification Sherloc (09022015). Collection method: clinical testing. Allele origin: germline.

CeGaT Center for Human Genetics Tuebingen
Classification: Likely benign. Last evaluated: 2022-06-01. Review status: criteria provided, single submitter. Criteria: CeGaT Center For Human Genetics Tuebingen Variant Classification Criteria Version 2. Collection method: clinical testing. Allele origin: germline. Affected: yes. Observed: 1 variant allele.
Comment: KIF1A: BP4, BP7

GeneDx
Classification: Likely benign. Last evaluated: 2020-12-21. Review status: criteria provided, single submitter. Criteria: GeneDx Variant Classification Process June 2021. Collection method: clinical testing. Allele origin: germline. Affected: yes.

NM_001244008.2(KIF1A):c.822G>A (p.Ser274=)

Gene: KIF1A (kinesin family member 1A; minus strand). Cytogenetic location: 2q37.3.
Variant type: single nucleotide variant.
Coding change: c.822G>A on transcript NM_001244008.2 (MANE Select); coding-DNA position 822, G replaced by A.
Protein change: p.Ser274=; no amino-acid change (serine 274 retained).
Molecular consequence: synonymous variant.
Genome position (GRCh38, 1-based): chr2:240,783,086, C>T on the plus strand (G>A on the coding strand, the complement: KIF1A is on the minus strand). VCF-style: chr2-240783086-C-T. GRCh37 (hg19) VCF-style: chr2-241722503-C-T.
Other names: c.822G>A, p.Ser274= (NM_001320705.2, NM_001330289.2, NM_001330290.2 and 20 more transcripts).
Identifiers: ClinVar variation 771830 (VCV000771830.38), dbSNP rs553008418, ClinGen allele CA2208640.